The following is an entry in ClinVar:

NM_138638.5(CFL2):c.255C>T (p.Tyr85=)

Gene: CFL2 (cofilin 2; minus strand). Cytogenetic location: 14q13.1.
Variant type: single nucleotide variant.
Coding change: c.255C>T on transcript NM_138638.5 (MANE Select); coding-DNA position 255, C replaced by T.
Protein change: p.Tyr85=; no amino-acid change (tyrosine 85 retained).
Molecular consequence: synonymous variant.
Genome position (GRCh38, 1-based): chr14:34,713,310, G>A on the plus strand (C>T on the coding strand, the complement: CFL2 is on the minus strand). VCF-style: chr14-34713310-G-A. GRCh37 (hg19) VCF-style: chr14-35182516-G-A.
Other names: c.204C>T, p.Tyr68= (NM_001243645.2); c.255C>T, p.Tyr85= (NM_021914.8).
Identifiers: ClinVar variation 390982 (VCV000390982.8), dbSNP rs1057523939, ClinGen allele CA16606987.
Genomic context (GRCh38, chr14:34,713,310, plus strand): 5'-ACACCAGAATATAAATACTAGGTCTTCTTTCTTAGACTCTTTTGTTTCGTATGTGGCATC[G>A]TACAAAGCATATCGGCAATCATTCAGAGGTAGCAACTTCACAAAAGATGTGTAGGGGTCC-3'
Protein context (NP_619579.1, residues 75-95): LPLNDCRYAL[Tyr85=]DATYETKESK

ClinVar aggregate classification (germline): Likely benign. Review status: criteria provided, multiple submitters, no conflicts (2 of 4 stars). 2 submissions from 2 submitters: Likely benign (2). Last evaluated 2017-07-01.

Conditions:
Nemaline myopathy 7 (NEM7). Also called: Nemaline myopathy 7, autosomal recessive. Identifiers: Orphanet 171436, MedGen C1853154, MONDO:0012538, OMIM 610687.

Allele frequency attached by ClinVar (database versions not stated): TOPMed below 0.00001; gnomAD 0.00001; gnomAD exomes 0.00001.
gnomAD v4.1: 19 of 1,613,520 alleles (0.0012%); highest among the groups gnomAD compares: Non-Finnish European, 0.0016%; no homozygotes.

Submissions (2):

Labcorp Genetics (formerly Invitae), Labcorp
Classification: Likely benign for Nemaline myopathy 7. Last evaluated: 2017-07-01. Review status: criteria provided, single submitter. Criteria: Invitae Variant Classification Sherloc (09022015). Collection method: clinical testing. Allele origin: germline.

GeneDx
Classification: Likely benign. Last evaluated: 2016-11-16. Review status: criteria provided, single submitter. Criteria: GeneDx Variant Classification (06012015). Collection method: clinical testing. Allele origin: germline. Affected: yes.
Comment: This variant is considered likely benign or benign based on one or more of the following criteria: it is a conservative change, it occurs at a poorly conserved position in the protein, it is predicted to be benign by multiple in silico algorithms, and/or has population frequency not consistent with disease.